The following is an entry in ClinVar:

NM_003839.4(TNFRSF11A):c.1786G>A (p.Glu596Lys)

Gene: TNFRSF11A (TNF receptor superfamily member 11a; plus strand). Cytogenetic location: 18q21.33.
Variant type: single nucleotide variant.
Coding change: c.1786G>A on transcript NM_003839.4 (MANE Select); coding-DNA position 1786, G replaced by A.
Protein change: p.Glu596Lys; replaces glutamic acid 596 with lysine.
Molecular consequence: missense variant. On other transcripts: 3 prime UTR variant (1).
Genome position (GRCh38, 1-based): chr18:62,384,969, G>A. VCF-style: chr18-62384969-G-A. GRCh37 (hg19) VCF-style: chr18-60052202-G-A.
Other names: c.*210G>A (NM_001270949.2); c.949G>A, p.Glu317Lys (NM_001270950.2); c.835G>A, p.Glu279Lys (NM_001270951.2); c.1744G>A, p.Glu582Lys (NM_001278268.2); short protein forms E582K, E596K, E317K, E279K.
Identifiers: ClinVar variation 4762150 (VCV004762150.1).

ClinVar aggregate classification (germline): Uncertain significance (1 of 4 stars; one submission).

Submission:

Labcorp Genetics (formerly Invitae), Labcorp
Classification: Uncertain significance. Last evaluated: 2025-05-08. Review status: criteria provided, single submitter. Criteria: Invitae Variant Classification Sherloc (09022015). Collection method: clinical testing. Allele origin: germline.
Comment: This sequence change replaces glutamic acid, which is acidic and polar, with lysine, which is basic and polar, at codon 596 of the TNFRSF11A protein (p.Glu596Lys). This variant is not present in population databases (gnomAD no frequency). This variant has not been reported in the literature in individuals affected with TNFRSF11A-related conditions. An algorithm developed to predict the effect of missense changes on protein structure and function (PolyPhen-2) suggests that this variant is likely to be tolerated. In summary, the available evidence is currently insufficient to determine the role of this variant in disease. Therefore, it has been classified as a Variant of Uncertain Significance.